The following is an entry in ClinVar:

ClinVar aggregate classification (germline): Uncertain significance (1 of 4 stars; one submission).

Conditions:
Polycystic kidney disease, adult type (PKD1). Also called: Polycystic Kidney, Autosomal Dominant; POLYCYSTIC KIDNEY DISEASE 1 WITH OR WITHOUT POLYCYSTIC LIVER DISEASE; POLYCYSTIC KIDNEY DISEASE, ADULT, TYPE I; Polycystic Kidney Disease 1, Autosomal Dominant; Polycystic kidney disease 1; Polycystic kidney disease 1, severe. Identifiers: MedGen C3149841, MONDO:0008263, OMIM 173900.

Submission:

Neuberg Centre For Genomic Medicine, NCGM
Classification: Uncertain significance for Polycystic kidney disease, adult type. Last evaluated: 2023-05-20. Review status: criteria provided, single submitter. Criteria: ACMG Guidelines, 2015. Collection method: clinical testing. Allele origin: germline. Inheritance: Autosomal dominant inheritance. Affected: yes.
Comment: The observed splice region variant c.7864-3_7896del in the PKD1 gene has not been reported previously as a pathogenic variant nor as a benign variant, to our knowledge. This variant is absent in the gnomAD Exomes. This splice region variant in affects the position three nucleotides upstream of intron 21. For these reasons, this variant has been classified as Uncertain Significance (VUS).

NM_001009944.3(PKD1):c.7864-3_7896del

Gene: PKD1 (polycystin 1, transient receptor potential channel interacting; minus strand). Cytogenetic location: 16p13.3.
Variant type: Deletion.
Coding change: c.7864-3_7896del on transcript NM_001009944.3 (MANE Select); 3 bases into the intron before coding-DNA position 7864 through coding-DNA position 7896, 36 bases deleted.
Molecular consequence: splice acceptor variant.
Genome position (GRCh38, 1-based): chr16:2,105,442-2,105,477, 36 bases deleted; deleting any 36 consecutive bases within chr16:2,105,442-2,105,481 gives the same sequence; the c. name uses the placement nearest the transcript's 3' end. GRCh37 (hg19): chr16:2,155,447-2,155,482.
Other names: c.7864-3_7896del (NM_000296.4).
Identifiers: ClinVar variation 3367002 (VCV003367002.1).